The following is an entry in ClinVar:

ClinVar aggregate classification (germline): Uncertain significance. Review status: criteria provided, multiple submitters, no conflicts (2 of 4 stars). 3 submissions from 3 submitters: Uncertain significance (3). Last evaluated 2026-01-05.

Conditions:
SCN9A-related disorder. Also called: SCN9A-related disorders; SCN9A-related condition.
Generalized epilepsy with febrile seizures plus, type 7 (GEFSP7). Also called: GEFS+, TYPE 7. Identifiers: Orphanet 36387, MedGen C2751778, MONDO:0013470, OMIM 613863.
Neuropathy, hereditary sensory and autonomic, type 2A (HSAN2A). Also called: NEUROPATHY, CONGENITAL SENSORY; NEUROPATHY, HEREDITARY SENSORY RADICULAR, AUTOSOMAL RECESSIVE; NEUROPATHY, HEREDITARY SENSORY, TYPE IIA; NEUROPATHY, PROGRESSIVE SENSORY, OF CHILDREN; HSAN IIA; MORVAN DISEASE. Identifiers: Orphanet 970, MedGen C2752089, MONDO:0024309, OMIM 201300.

Allele frequency attached by ClinVar (database versions not stated): ExAC 0.00001; gnomAD exomes 0.00001 and 0.00010; gnomAD 0.00003 and 0.00004; TOPMed 0.00003.
gnomAD v4.1: 147 of 1,612,792 alleles (0.0091%); highest among the groups gnomAD compares: Non-Finnish European, 0.012%; no homozygotes.

Submissions (3):

Labcorp Genetics (formerly Invitae), Labcorp
Classification: Uncertain significance for Neuropathy, hereditary sensory and autonomic, type 2A; Generalized epilepsy with febrile seizures plus, type 7. Last evaluated: 2026-01-05. Review status: criteria provided, single submitter. Criteria: Invitae Variant Classification Sherloc (09022015). Collection method: clinical testing. Allele origin: germline.
Comment: This sequence change replaces isoleucine, which is neutral and non-polar, with valine, which is neutral and non-polar, at codon 1080 of the SCN9A protein (p.Ile1080Val). This variant is present in population databases (rs202212176, gnomAD 0.002%). This variant has not been reported in the literature in individuals affected with SCN9A-related conditions. ClinVar contains an entry for this variant (Variation ID: 448292). Invitae Evidence Modeling of protein sequence and biophysical properties (such as structural, functional, and spatial information, amino acid conservation, physicochemical variation, residue mobility, and thermodynamic stability) indicates that this missense variant is not expected to disrupt SCN9A protein function with a negative predictive value of 80%. In summary, the available evidence is currently insufficient to determine the role of this variant in disease. Therefore, it has been classified as a Variant of Uncertain Significance.

PreventionGenetics, part of Exact Sciences
Classification: Uncertain significance for SCN9A-related condition. Last evaluated: 2023-03-13. Review status: criteria provided, single submitter. Criteria: ACMG Guidelines, 2015. Collection method: clinical testing. Allele origin: germline.
Comment: The SCN9A c.3238A>G variant is predicted to result in the amino acid substitution p.Ile1080Val. To our knowledge, this variant has not been reported in the literature. This variant is reported in 0.0018% of alleles in individuals of European (Non-Finnish) descent in gnomAD. At this time, the clinical significance of this variant is uncertain due to the absence of conclusive functional and genetic evidence.

Athena Diagnostics
Classification: Uncertain significance. Last evaluated: 2016-06-30. Review status: criteria provided, single submitter. Criteria: Athena Diagnostics Criteria. Collection method: clinical testing. Allele origin: germline.

Literature cited by the submitters: PubMed 26392352 (cited by Athena Diagnostics).

NM_001365536.1(SCN9A):c.3271A>G (p.Ile1091Val)

Genes: SCN9A (sodium voltage-gated channel alpha subunit 9; minus strand), SCN1A-AS1 (SCN1A and SCN9A antisense RNA 1; plus strand). Cytogenetic location: 2q24.3.
Variant type: single nucleotide variant.
Coding change: c.3271A>G on transcript NM_001365536.1 (MANE Select); coding-DNA position 3271, A replaced by G.
Protein change: p.Ile1091Val; replaces isoleucine 1091 with valine.
Molecular consequence: missense variant.
Genome position (GRCh38, 1-based): chr2:166,272,479, T>C on the plus strand (A>G on the coding strand, the complement: SCN9A is on the minus strand). VCF-style: chr2-166272479-T-C. GRCh37 (hg19) VCF-style: chr2-167128989-T-C.
Other names: c.3238A>G, p.Ile1080Val (NM_002977.4); short protein forms I1080V, I1091V.
Identifiers: ClinVar variation 448292 (VCV000448292.10), dbSNP rs202212176, ClinGen allele CA1944109.
Genomic context (GRCh38, chr2:166,272,479, plus strand): 5'-CCGAATCACTGCTAAGTTCCTCAGCATTCATATTTTCCAAATCGGATTCCCCAGGTGCAA[T>C]TGGCACTGTCACTGTGAGGCTGGGATTGTGAATAAATGATTGACCATCACTGTCTTCCAT-3'
Protein context (NP_001352465.1, residues 1081-1101): HNPSLTVTVP[Ile1091Val]APGESDLENM